The following is an entry in ClinVar:

NM_004836.7(EIF2AK3):c.1492G>A (p.Val498Ile)

Gene: EIF2AK3 (eukaryotic translation initiation factor 2 alpha kinase 3; minus strand). Cytogenetic location: 2p11.2.
Variant type: single nucleotide variant.
Coding change: c.1492G>A on transcript NM_004836.7 (MANE Select); coding-DNA position 1492, G replaced by A.
Protein change: p.Val498Ile; replaces valine 498 with isoleucine.
Molecular consequence: missense variant.
Genome position (GRCh38, 1-based): chr2:88,585,999, C>T on the plus strand (G>A on the coding strand, the complement: EIF2AK3 is on the minus strand). VCF-style: chr2-88585999-C-T. GRCh37 (hg19) VCF-style: chr2-88885517-C-T.
Other names: c.1492G>A (NM_004836.5); c.1039G>A, p.Val347Ile (NM_001313915.2); short protein forms V347I, V498I.
Identifiers: ClinVar variation 2081615 (VCV002081615.3), dbSNP rs1432389199, ClinGen allele CA347594570.

ClinVar aggregate classification (germline): Uncertain significance. Review status: criteria provided, multiple submitters, no conflicts (2 of 4 stars). 3 submissions from 3 submitters: Uncertain significance (3). Last evaluated 2025-07-14.

Conditions:
Wolcott-Rallison dysplasia. Also called: MED-IDDM SYNDROME; Wolcott-Rallison syndrome. Identifiers: Orphanet 1667, MedGen C0432217, MONDO:0009192, OMIM 226980.
Inborn genetic diseases. Identifiers: MedGen C0950123, MeSH D030342.

Allele frequency attached by ClinVar (database versions not stated): gnomAD 0.00001; gnomAD exomes 0.00002; TOPMed 0.00002.
gnomAD v4.1: 26 of 1,614,024 alleles (0.0016%); highest among the groups gnomAD compares: Non-Finnish European, 0.002%; no homozygotes.

Submissions (3):

Ambry Genetics
Classification: Uncertain significance for Inborn genetic diseases. Last evaluated: 2025-07-14. Review status: criteria provided, single submitter. Criteria: Ambry Variant Classification Scheme 2023. Collection method: clinical testing. Allele origin: germline.

Fulgent Genetics
Classification: Uncertain significance for Wolcott-Rallison dysplasia. Last evaluated: 2024-06-17. Review status: criteria provided, single submitter. Criteria: ACMG Guidelines, 2015. Collection method: clinical testing. Allele origin: germline.

Labcorp Genetics (formerly Invitae), Labcorp
Classification: Uncertain significance. Last evaluated: 2022-09-19. Review status: criteria provided, single submitter. Criteria: Invitae Variant Classification Sherloc (09022015). Collection method: clinical testing. Allele origin: germline.
Comment: This sequence change replaces valine, which is neutral and non-polar, with isoleucine, which is neutral and non-polar, at codon 498 of the EIF2AK3 protein (p.Val498Ile). This variant is present in population databases (no rsID available, gnomAD 0.0009%). This variant has not been reported in the literature in individuals affected with EIF2AK3-related conditions. Algorithms developed to predict the effect of missense changes on protein structure and function (SIFT, PolyPhen-2, Align-GVGD) all suggest that this variant is likely to be tolerated. In summary, the available evidence is currently insufficient to determine the role of this variant in disease. Therefore, it has been classified as a Variant of Uncertain Significance.